The following is an entry in ClinVar:

ClinVar aggregate classification (germline): Conflicting classifications of pathogenicity. Review status: criteria provided, conflicting classifications (1 of 4 stars). 4 submissions from 4 submitters: Uncertain significance (3); Benign (1). Last evaluated 2026-08-31.

Conditions:
JAG1-related disorder. Also called: JAG1-related condition; JAG1-related disorders.
Cardiovascular phenotype. Identifiers: MedGen CN230736.
Charcot-Marie-Tooth disease, axonal, Type 2HH. Also called: CHARCOT-MARIE-TOOTH NEUROPATHY, TYPE 2HH. Identifiers: MedGen C5562003, MONDO:0030458, OMIM 619574.
Deafness, congenital heart defects, and posterior embryotoxon (DCHE). Identifiers: MedGen C1866053, MONDO:0060713, OMIM 617992.
Tetralogy of Fallot (TOF). Identifiers: Orphanet 3303, MedGen C0039685, MONDO:0008542, OMIM 187500, HP:0001636.
Alagille syndrome due to a JAG1 point mutation. Also called: Alagille Syndrome 1; JAG1-Related Alagille Syndrome; HEPATIC DUCTULAR HYPOPLASIA, SYNDROMATIC. Identifiers: Orphanet 261619, Orphanet 52, MedGen C1956125, MONDO:0016862, OMIM 118450.

Allele frequency attached by ClinVar (database versions not stated): ESP Exome Variant Server 0.00008.
gnomAD v4.1: 60 of 1,612,912 alleles (0.0037%); highest among the groups gnomAD compares: Non-Finnish European, 0.0047%; no homozygotes.

Submissions (4):

PreventionGenetics, part of Exact Sciences
Classification: Uncertain significance for JAG1-related condition. Last evaluated: 2026-08-31. Review status: criteria provided, single submitter. Criteria: ACMG Guidelines, 2015. Collection method: clinical testing. Allele origin: germline.
Comment: The JAG1 c.1205C>G variant is predicted to result in the amino acid substitution p.Pro402Arg. To our knowledge, this variant has not been reported in the literature. This variant is reported in 0.0040% of alleles in individuals of African descent in gnomAD. At this time, the clinical significance of this variant is uncertain due to the absence of conclusive functional and genetic evidence.

Labcorp Genetics (formerly Invitae), Labcorp
Classification: Benign for Alagille syndrome due to a JAG1 point mutation. Last evaluated: 2025-05-03. Review status: criteria provided, single submitter. Criteria: Invitae Variant Classification Sherloc (09022015). Collection method: clinical testing. Allele origin: germline.

Ambry Genetics
Classification: Uncertain significance for Cardiovascular phenotype. Last evaluated: 2025-01-27. Review status: criteria provided, single submitter. Criteria: Ambry Variant Classification Scheme 2023. Collection method: clinical testing. Allele origin: germline.
Comment: The p.P402R variant (also known as c.1205C>G), located in coding exon 9 of the JAG1 gene, results from a C to G substitution at nucleotide position 1205. The proline at codon 402 is replaced by arginine, an amino acid with dissimilar properties. This amino acid position is conserved. In addition, the in silico prediction for this alteration is inconclusive. Based on the available evidence, the clinical significance of this variant remains unclear.

Fulgent Genetics
Classification: Uncertain significance for Alagille syndrome due to a JAG1 point mutation; Tetralogy of Fallot; Deafness, congenital heart defects, and posterior embryotoxon; Charcot-Marie-Tooth disease, axonal, Type 2HH. Last evaluated: 2021-07-06. Review status: criteria provided, single submitter. Criteria: ACMG Guidelines, 2015. Collection method: clinical testing. Allele origin: unknown.

NM_000214.3(JAG1):c.1205C>G (p.Pro402Arg)

Gene: JAG1 (jagged canonical Notch ligand 1; minus strand). Cytogenetic location: 20p12.2.
Variant type: single nucleotide variant.
Coding change: c.1205C>G on transcript NM_000214.3 (MANE Select); coding-DNA position 1205, C replaced by G.
Protein change: p.Pro402Arg; replaces proline 402 with arginine.
Molecular consequence: missense variant.
Genome position (GRCh38, 1-based): chr20:10,650,276, G>C on the plus strand (C>G on the coding strand, the complement: JAG1 is on the minus strand). VCF-style: chr20-10650276-G-C. GRCh37 (hg19) VCF-style: chr20-10630924-G-C.
Other names: short protein forms P402R.
Identifiers: ClinVar variation 946908 (VCV000946908.12), dbSNP rs144204614, ClinGen allele CA9764954.
Genomic context (GRCh38, chr20:10,650,276, plus strand): 5'-ATAAAAATTACAGTCACAGGGATGTTCTTACCTAACTGGCACGTTTTCCCAGTCCACTGT[G>C]GGGGGCACACACACTTAAATCCGTTAACCAGGTCCTGGCAGGTGCCCCCGTGGGAACAGT-3'
Protein context (NP_000205.1, residues 392-412): LVNGFKCVCP[Pro402Arg]QWTGKTCQLD